The following is an entry in ClinVar:

NM_004974.4(KCNA2):c.917_918delinsTA (p.Lys306Ile)

Gene: KCNA2 (potassium voltage-gated channel subfamily A member 2; minus strand). Cytogenetic location: 1p13.3.
Variant type: Indel.
Coding change: c.917_918delinsTA on transcript NM_004974.4 (MANE Select); coding-DNA positions 917 to 918, AG replaced by TA.
Protein change: p.Lys306Ile; replaces lysine 306 with isoleucine.
Molecular consequence: missense variant. On other transcripts: intron variant (1).
Genome position (GRCh38, 1-based): chr1:110,603,865-110,603,866, CT replaced by TA on the plus strand (AG replaced by TA on the coding strand, the reverse complement: KCNA2 is on the minus strand). VCF-style: chr1-110603865-CT-TA. GRCh37 (hg19) VCF-style: chr1-111146487-CT-TA.
Other names: c.894+23_894+24delinsTA (NM_001204269.2); short protein forms K306I.
Identifiers: ClinVar variation 4071926 (VCV004071926.2).

ClinVar aggregate classification (germline): Uncertain significance (1 of 4 stars; one submission).

Submission:

GeneDx
Classification: Uncertain significance. Last evaluated: 2026-05-29. Review status: criteria provided, single submitter. Criteria: GeneDx Variant Classification Process June 2021. Collection method: clinical testing. Allele origin: germline.
Comment: Not observed at significant frequency in large population cohorts (gnomAD); In silico analysis supports a deleterious effect on protein structure/function; Has not been previously published as pathogenic or benign to our knowledge